The following is an entry in ClinVar:

NM_001291415.2(KDM6A):c.1744_1746dup (p.Asp582_Ser583insAsp)

Gene: KDM6A (lysine demethylase 6A; plus strand). Cytogenetic location: Xp11.3.
Variant type: Duplication.
Coding change: c.1744_1746dup on transcript NM_001291415.2 (MANE Select); coding-DNA positions 1744 to 1746, 3 bases duplicated (GAC; older notation c.1744_1746dupGAC).
Protein change: p.Asp582_Ser583insAsp.
Molecular consequence: inframe insertion. On other transcripts: inframe indel (1), non-coding transcript variant (1).
Genome position (GRCh38, 1-based): chrX:45,063,482-45,063,484, GAC duplicated. VCF-style (leftmost placement, unchanged base first): chrX-45063481-T-TGAC. GRCh37 (hg19) VCF-style: chrX-44922726-T-TGAC.
Other names: c.1609_1611dup, p.Asp537_Ser538insAsp (NM_001291416.2); c.1453_1455dup, p.Asp485_Ser486insAsp (NM_001291417.2); c.1351_1353dup, p.Asp451_Ser452insAsp (NM_001291418.2); c.700_702dup, p.Asp234_Ser235insAsp (NM_001291421.2); c.1486_1488dup, p.Asp496_Ser497insAsp (NM_001410742.1); c.1588_1590dup, p.Asp530_Ser531insAsp (NM_021140.4).
Identifiers: ClinVar variation 2044075 (VCV002044075.4), dbSNP rs2522851921, ClinGen allele CA2580100971.
Genomic context (GRCh38, chrX:45,063,481, plus strand): 5'-GATGAGACCAACAGGAGTTGCACAGGTACGATCTACTGGAATTCCTAATGGGCCAACAGC[T>TGAC]GACTCATCACTGCCTACAAACTCAGTCTCTGGCCAGCAGCCACAGCTTGCTCTGACCAGA-3'

ClinVar aggregate classification (germline): Uncertain significance (1 of 4 stars; one submission).

Conditions:
Kabuki syndrome 2 (KABUK2). Also called: KDM6A-Related Kabuki Syndrome. Identifiers: Orphanet 2322, MedGen C3275495, MONDO:0010465, OMIM 300867.

Submission:

Labcorp Genetics (formerly Invitae), Labcorp
Classification: Uncertain significance for Kabuki syndrome 2. Last evaluated: 2022-07-05. Review status: criteria provided, single submitter. Criteria: Invitae Variant Classification Sherloc (09022015). Collection method: clinical testing. Allele origin: germline.
Comment: In summary, the available evidence is currently insufficient to determine the role of this variant in disease. Therefore, it has been classified as a Variant of Uncertain Significance. This variant, c.1588_1590dup, results in the insertion of 1 amino acid(s) of the KDM6A protein (p.Asp530dup), but otherwise preserves the integrity of the reading frame. This variant is not present in population databases (gnomAD no frequency). This variant has not been reported in the literature in individuals affected with KDM6A-related conditions.